The following continues an entry in ClinVar:

NM_000059.4(BRCA2):c.5857G>T (p.Glu1953Ter)

Gene: BRCA2. ClinVar aggregate classification (germline): Pathogenic. Pathogenic (1).

Submissions 10 to 23 of 41:

Color Diagnostics, LLC DBA Color Health
Classification: Pathogenic for Hereditary cancer-predisposing syndrome. Last evaluated: 2023-08-30. Review status: criteria provided, single submitter. Criteria: ACMG Guidelines, 2015. Collection method: clinical testing. Allele origin: germline. Not counted in ClinVar's aggregate classification.
Comment: This variant changes 1 nucleotide in exon 11 of the BRCA2 gene, creating a premature translation stop signal. This variant is expected to result in an absent or non-functional protein product. This variant has been reported in individuals with a personal or family history of prostate, breast, and/or ovarian cancer (PMID: 9150172, 9792861, 15382066, 16683254, 19863560, 23318356, 23621881, 28008555, 29446198, 33471991). This variant has been identified in 2/250950 chromosomes in the general population by the Genome Aggregation Database (gnomAD). Loss of BRCA2 function is a known mechanism of disease. Based on the available evidence, this variant is classified as Pathogenic.

Baylor Genetics
Classification: Pathogenic for Familial cancer of breast. Last evaluated: 2023-08-27. Review status: criteria provided, single submitter. Criteria: ACMG Guidelines, 2015. Collection method: clinical testing. Allele origin: unknown. Not counted in ClinVar's aggregate classification.

All of Us Research Program, National Institutes of Health
Classification: Pathogenic for Breast-ovarian cancer, familial, susceptibility to, 2. Last evaluated: 2023-07-09. Review status: criteria provided, single submitter. Criteria: ACMG Guidelines, 2015. Collection method: clinical testing. Allele origin: germline. Inheritance: Autosomal dominant inheritance. Observed: 1 variant allele, 1 heterozygote. Not counted in ClinVar's aggregate classification.
Comment: The c.5857G>T (p.Glu1953*) variant in the BRCA2 gene is located on the exon 11 and is predicted to introduce a premature translation termination codon (p.Glu1953*), resulting in an absent or disrupted protein product. The variant has been reported in multiple individuals with breast/ovarian/pancreatic cancer and it is one of the frequently reported variants in French Canadian population (PMID: 34298626, 28503720, 35949895, 35714671, 26425718, 32772980). Loss-of-function variants of BRCA2 are known to be pathogenic (PMID: 8988179, 11897832, 29446198). The variant is reported in ClinVar as pathogenic (ID: 51952) and reviewed by the expert panel. The variant is rare in the general population according to gnomAD (2/250950). Therefore, the c.5857G>T (p.Glu1953*) variant of BRCA2 has been classified as pathogenic.

This study involves interpretation of variants in research participants for the purpose of population health screening. Participant phenotype was not available at the time of variant classification. Additional details can be found in publication PMID: 35346344, PMCID: PMC8962531

Clinical Genetics Laboratory, Skane University Hospital Lund
Classification: Pathogenic. Last evaluated: 2023-07-03. Review status: criteria provided, single submitter. Criteria: ACMG Guidelines, 2015. Collection method: clinical testing. Allele origin: germline. Affected: yes. Not counted in ClinVar's aggregate classification.

CHEO Genetics Diagnostic Laboratory, Children's Hospital of Eastern Ontario
Classification: Pathogenic for Breast and/or ovarian cancer. Last evaluated: 2023-05-12. Review status: criteria provided, single submitter. Criteria: ACMG Guidelines, 2015. Collection method: clinical testing. Allele origin: germline. Study: Canadian Open Genetics Repository. Not counted in ClinVar's aggregate classification.

Institute for Genomic Medicine (IGM) Clinical Laboratory, Nationwide Children's Hospital
Classification: Pathogenic for Hereditary cancer-predisposing syndrome. Last evaluated: 2022-12-21. Review status: criteria provided, single submitter. Criteria: ACMG Guidelines, 2015. Collection method: clinical testing. Allele origin: germline. Not counted in ClinVar's aggregate classification.
Comment: This variant is predicted to result in loss of function through nonsense-mediated decay of the encoded transcript or premature truncation of the encoded protein in a gene in which loss of function is a known mechanism of disease (ACMG/AMP: PVS1). This variant has been reported at an elevated frequency in affected individuals/in multiple affected individuals in the literature (ACMG/AMP: PS4). This variant is absent from or present at an exceedingly low frequency in gnomAD, a large-scale control population database (ACMG/AMP: PM2). This variant was reported as a pathogenic/likely pathogenic alteration by a reputable source (ClinVar or other correspondence from a clinical testing laboratory) (ACMG/AMP: PP5).

Quest Diagnostics Nichols Institute San Juan Capistrano
Classification: Pathogenic. Last evaluated: 2022-08-07. Review status: criteria provided, single submitter. Criteria: Quest Diagnostics criteria. Collection method: clinical testing. Allele origin: unknown. Not counted in ClinVar's aggregate classification.
Comment: This nonsense variant causes the premature termination of BRCA2 protein synthesis. The frequency of this variant in the general population, 0.000008 (2/250950 chromosomes), is consistent with pathogenicity. In the published literature, this variant has been described in individuals/families with breast/ovarian cancer (PMIDs: 33471991 (2021), 32885271 (2021), 32772980 (2020), 28503720 (2017), 28008555 (2017), 27741520 (2016), 21324516 (2011), 20694749 (2010), 17148771 (2006), 9667259 (1998), 9792861 (1998), and 8673090 (1996)) and described as a common French-Canadian founder variant (PMIDs: 25884701 (2015), 23621881 (2014), 15382066 (2004), 11307153 (2001), and 9792861 (1998)). This variant has also been reported in individuals with prostate cancer (PMIDs: 23318356 (2013) and 32338768 (2020)) and pancreatic cancer (PMID: 30274973 (2018)). Based on the available information, this variant is classified as pathogenic.

Institute of Human Genetics, Clinical Exome/Genome Diagnostics Group, University Hospital Bonn
Classification: Pathogenic for Familial cancer of breast. Last evaluated: 2021-03-23. Review status: criteria provided, single submitter. Criteria: ACMG Guidelines, 2015. Collection method: clinical testing. Allele origin: inherited. Not counted in ClinVar's aggregate classification.
Comment: Incidental finding in clinical exome sequencing. PVS1, PS1

Institute of Human Genetics, Clinical Exome/Genome Diagnostics Group, University Hospital Bonn
Classification: Pathogenic for Breast-ovarian cancer, familial, susceptibility to, 2. Last evaluated: 2021-03-23. Review status: criteria provided, single submitter. Criteria: ACMG Guidelines, 2015. Collection method: clinical testing. Allele origin: inherited. Not counted in ClinVar's aggregate classification.
Comment: the same text as in the submission from Institute of Human Genetics, Clinical Exome/Genome Diagnostics Group, University Hospital Bonn above.

Institute of Human Genetics, Clinical Exome/Genome Diagnostics Group, University Hospital Bonn
Classification: Pathogenic for Familial prostate cancer. Last evaluated: 2021-03-23. Review status: criteria provided, single submitter. Criteria: ACMG Guidelines, 2015. Collection method: clinical testing. Allele origin: inherited. Not counted in ClinVar's aggregate classification.
Comment: the same text as in the submission from Institute of Human Genetics, Clinical Exome/Genome Diagnostics Group, University Hospital Bonn above.

Institute of Human Genetics, Clinical Exome/Genome Diagnostics Group, University Hospital Bonn
Classification: Pathogenic for Medulloblastoma. Last evaluated: 2021-03-23. Review status: criteria provided, single submitter. Criteria: ACMG Guidelines, 2015. Collection method: clinical testing. Allele origin: inherited. Not counted in ClinVar's aggregate classification.
Comment: the same text as in the submission from Institute of Human Genetics, Clinical Exome/Genome Diagnostics Group, University Hospital Bonn above.

Institute of Human Genetics, Clinical Exome/Genome Diagnostics Group, University Hospital Bonn
Classification: Pathogenic for Wilms tumor 1. Last evaluated: 2021-03-23. Review status: criteria provided, single submitter. Criteria: ACMG Guidelines, 2015. Collection method: clinical testing. Allele origin: inherited. Not counted in ClinVar's aggregate classification.
Comment: the same text as in the submission from Institute of Human Genetics, Clinical Exome/Genome Diagnostics Group, University Hospital Bonn above.

GeneDx
Classification: Pathogenic. Last evaluated: 2021-01-19. Review status: criteria provided, single submitter. Criteria: GeneDx Variant Classification Process June 2021. Collection method: clinical testing. Allele origin: germline. Affected: yes. Not counted in ClinVar's aggregate classification.
Comment: Nonsense variant predicted to result in protein truncation or nonsense mediated decay in a gene for which loss-of-function is a known mechanism of disease; French Canadian pathogenic founder variant observed in multiple families with breast, ovarian, and prostate cancer (Serova-Sinilnikova 1997, Frank 1998, Tonin 1998, Oros 2004, Zhang 2011, Taherian 2013, Belanger 2015); Not observed at a significant frequency in large population cohorts (gnomAD); Truncating variants in this gene are considered pathogenic by a well-established clinical consortium and/or database; Also known as 6085G>T; This variant is associated with the following publications: (PMID: 25525159, 21324516, 25884701, 7478555, 9667259, 23621881, 23199084, 32772980, 32300229, 9150172, 23318356, 26425718, 9792861, 19863560, 15382066, 17386038, 20694749, 28715532, 28503720, 16905680, 27741520, 26786923, 29907814, 29446198, 30274973, 30720243, 32885271, 32338768, 30787465, 31360904)

Laboratory for Molecular Medicine, Mass General Brigham Personalized Medicine
Classification: Pathogenic for Hereditary breast ovarian cancer syndrome. Last evaluated: 2020-10-30. Review status: criteria provided, single submitter. Criteria: LMM Criteria. Collection method: clinical testing. Allele origin: germline. Inheritance: Autosomal dominant inheritance. Observed: 4 variant alleles. Not counted in ClinVar's aggregate classification.
Comment: The p.Glu1953X variant in BRCA2 has been reported in numerous individuals with BRCA2-associated cancers and segregated with disease in 4 affected individuals from one family (Phelan 1996 PMID: 8673090; Serova-Sinilnikova 1997 PMID: 9150172; Ghadirian 2009 PMID: 19863560; Taherian 2013 PMID: 233108356; Ghadirian 2014 PMID: 23621881; Fernandes 2016 PMID: 27741520; Bannon 2018 PMID: 30274973; Pritzlaff 2017 PMID: 28008555; Breast Cancer Information Core (BIC) database)). It has also been identified in 0.002% (2/113514) of European chromosomes by gnomAD. This frequency is low enough to be consistent with the frequency of hereditary breast and ovarian cancer (HBOC) in the general population. This nonsense variant leads to a premature termination codon at position 1953, which is predicted to lead to a truncated or absent protein. Loss of function of the BRCA2 gene is an established disease mechanism in autosomal dominant HBOC. Additionally, this variant was classified as pathogenic on Sept. 13, 2016, by the ClinGen-approved ENIGMA expert panel (SCV000300944.2). In summary, this variant meets criteria to be classified as pathogenic for autosomal dominant HBOC. ACMG/AMP Criteria applied: PVS1, PS4, PM2_Supporting, PP1.